The following is an entry in ClinVar:

ClinVar aggregate classification (germline): Uncertain significance (1 of 4 stars; one submission).

Conditions:
Baller-Gerold syndrome (BGS). Also called: CRANIOSYNOSTOSIS WITH RADIAL DEFECTS. Identifiers: Orphanet 1225, MedGen C0265308, MONDO:0009039, OMIM 218600.

Submission:

Labcorp Genetics (formerly Invitae), Labcorp
Classification: Uncertain significance for Baller-Gerold syndrome. Last evaluated: 2022-04-10. Review status: criteria provided, single submitter. Criteria: Invitae Variant Classification Sherloc (09022015). Collection method: clinical testing. Allele origin: germline.
Comment: This sequence change replaces glutamic acid, which is acidic and polar, with glutamine, which is neutral and polar, at codon 1015 of the RECQL4 protein (p.Glu1015Gln). This variant is not present in population databases (gnomAD no frequency). This variant has not been reported in the literature in individuals affected with RECQL4-related conditions. Experimental studies and prediction algorithms are not available or were not evaluated, and the functional significance of this variant is currently unknown. In summary, the available evidence is currently insufficient to determine the role of this variant in disease. Therefore, it has been classified as a Variant of Uncertain Significance.

NM_004260.4(RECQL4):c.3043G>C (p.Glu1015Gln)

Gene: RECQL4 (RecQ like helicase 4; minus strand). Cytogenetic location: 8q24.3.
Variant type: single nucleotide variant.
Coding change: c.3043G>C on transcript NM_004260.4 (MANE Select); coding-DNA position 3043, G replaced by C.
Protein change: p.Glu1015Gln; replaces glutamic acid 1015 with glutamine.
Molecular consequence: missense variant.
Genome position (GRCh38, 1-based): chr8:144,512,404, C>G on the plus strand (G>C on the coding strand, the complement: RECQL4 is on the minus strand). VCF-style: chr8-144512404-C-G. GRCh37 (hg19) VCF-style: chr8-145737787-C-G.
Other names: short protein forms E1015Q.
Identifiers: ClinVar variation 1408812 (VCV001408812.6), dbSNP rs771381171, ClinGen allele CA372671126.